The following is an entry in ClinVar:

ClinVar aggregate classification (germline): Uncertain significance. Review status: criteria provided, multiple submitters, no conflicts (2 of 4 stars). 3 submissions from 3 submitters: Uncertain significance (3). Last evaluated 2023-05-22.

Conditions:
Age related macular degeneration 1 (ARMD1). Also called: MACULOPATHY, AGE-RELATED, 1. Identifiers: MedGen C1864205, MONDO:0011285, OMIM 603075.

Allele frequency attached by ClinVar (database versions not stated): gnomAD exomes below 0.00001 and 0.00002; gnomAD 0.00001; TOPMed 0.00001.
gnomAD v4.1: 12 of 1,613,002 alleles (0.00074%); highest among the groups gnomAD compares: East Asian, 0.027%; no homozygotes.

Submissions (3):

Labcorp Genetics (formerly Invitae), Labcorp
Classification: Uncertain significance. Last evaluated: 2023-05-22. Review status: criteria provided, single submitter. Criteria: Invitae Variant Classification Sherloc (09022015). Collection method: clinical testing. Allele origin: germline.
Comment: In summary, the available evidence is currently insufficient to determine the role of this variant in disease. Therefore, it has been classified as a Variant of Uncertain Significance. An algorithm developed to predict the effect of missense changes on protein structure and function (PolyPhen-2) suggests that this variant is likely to be disruptive. ClinVar contains an entry for this variant (Variation ID: 873983). This variant has not been reported in the literature in individuals affected with HMCN1-related conditions. This variant is present in population databases (no rsID available, gnomAD 0.004%). This sequence change replaces glutamic acid, which is acidic and polar, with lysine, which is basic and polar, at codon 4223 of the HMCN1 protein (p.Glu4223Lys).

Genome-Nilou Lab
Classification: Uncertain significance for Age related macular degeneration 1. Last evaluated: 2023-04-11. Review status: criteria provided, single submitter. Criteria: ACMG Guidelines, 2015. Collection method: clinical testing. Allele origin: germline. Affected: no.

Illumina Laboratory Services, Illumina
Classification: Uncertain significance for Age related macular degeneration 1. Last evaluated: 2018-01-12. Review status: criteria provided, single submitter. Criteria: ICSL Variant Classification Criteria 13 December 2019. Collection method: clinical testing. Allele origin: germline.

NM_031935.3(HMCN1):c.12667G>A (p.Glu4223Lys)

Gene: HMCN1 (hemicentin 1; plus strand). Cytogenetic location: 1q31.1.
Variant type: single nucleotide variant.
Coding change: c.12667G>A on transcript NM_031935.3 (MANE Select); coding-DNA position 12667, G replaced by A.
Protein change: p.Glu4223Lys; replaces glutamic acid 4223 with lysine.
Molecular consequence: missense variant.
Genome position (GRCh38, 1-based): chr1:186,125,771, G>A. VCF-style: chr1-186125771-G-A. GRCh37 (hg19) VCF-style: chr1-186094903-G-A.
Other names: short protein forms E4223K.
Identifiers: ClinVar variation 873983 (VCV000873983.9), dbSNP rs1400175925, ClinGen allele CA343904321.